The following is an entry in ClinVar:

NM_024496.4(IRF2BPL):c.456C>T (p.Ser152=)

Gene: IRF2BPL (interferon regulatory factor 2 binding protein like; minus strand). Cytogenetic location: 14q24.3.
Variant type: single nucleotide variant.
Coding change: c.456C>T on transcript NM_024496.4 (MANE Select); coding-DNA position 456, C replaced by T.
Protein change: p.Ser152=; no amino-acid change (serine 152 retained).
Molecular consequence: synonymous variant.
Genome position (GRCh38, 1-based): chr14:77,027,337, G>A on the plus strand (C>T on the coding strand, the complement: IRF2BPL is on the minus strand). VCF-style: chr14-77027337-G-A. GRCh37 (hg19) VCF-style: chr14-77493680-G-A.
Identifiers: ClinVar variation 4681996 (VCV004681996.5).

ClinVar aggregate classification (germline): Likely benign (1 of 4 stars; one submission).

Submission:

CeGaT Center for Human Genetics Tuebingen
Classification: Likely benign. Last evaluated: 2025-12-01. Review status: criteria provided, single submitter. Criteria: CeGaT Center For Human Genetics Tuebingen Variant Classification Criteria Version 2. Collection method: clinical testing. Allele origin: germline. Affected: yes. Observed: 1 variant allele.
Comment: IRF2BPL: BP4, BP7